The following is an entry in ClinVar:

ClinVar aggregate classification (germline): Uncertain significance (1 of 4 stars; one submission).

Conditions:
Catecholaminergic polymorphic ventricular tachycardia 1. Also called: VENTRICULAR TACHYCARDIA, CATECHOLAMINERGIC POLYMORPHIC, 1, WITH OR WITHOUT ATRIAL DYSFUNCTION AND/OR DILATED CARDIOMYOPATHY; VENTRICULAR TACHYCARDIA, STRESS-INDUCED POLYMORPHIC 1; RYR2-Related Catecholaminergic Polymorphic Ventricular Tachycardia. Identifiers: Orphanet 3286, MedGen C1631597, MONDO:0011484, OMIM 604772.

gnomAD v4.1: 5 of 1,613,902 alleles (0.00031%); highest among the groups gnomAD compares: South Asian, 0.0011%; no homozygotes.

Submission:

Labcorp Genetics (formerly Invitae), Labcorp
Classification: Uncertain significance for Catecholaminergic polymorphic ventricular tachycardia 1. Last evaluated: 2021-02-15. Review status: criteria provided, single submitter. Criteria: Invitae Variant Classification Sherloc (09022015). Collection method: clinical testing. Allele origin: germline.
Comment: This sequence change replaces threonine with isoleucine at codon 1243 of the RYR2 protein (p.Thr1243Ile). The threonine residue is highly conserved and there is a moderate physicochemical difference between threonine and isoleucine. This variant is not present in population databases (ExAC no frequency). This variant has not been reported in the literature in individuals with RYR2-related conditions. Advanced modeling of protein sequence and biophysical properties (such as structural, functional, and spatial information, amino acid conservation, physicochemical variation, residue mobility, and thermodynamic stability) performed at Invitae indicates that this missense variant is not expected to disrupt RYR2 protein function. In summary, the available evidence is currently insufficient to determine the role of this variant in disease. Therefore, it has been classified as a Variant of Uncertain Significance.

NM_001035.3(RYR2):c.3728C>T (p.Thr1243Ile)

Gene: RYR2 (ryanodine receptor 2; plus strand). Cytogenetic location: 1q43.
Variant type: single nucleotide variant.
Coding change: c.3728C>T on transcript NM_001035.3 (MANE Select); coding-DNA position 3728, C replaced by T.
Protein change: p.Thr1243Ile; replaces threonine 1243 with isoleucine.
Molecular consequence: missense variant.
Genome position (GRCh38, 1-based): chr1:237,589,922, C>T. VCF-style: chr1-237589922-C-T. GRCh37 (hg19) VCF-style: chr1-237753222-C-T.
Other names: short protein forms T1243I.
Identifiers: ClinVar variation 1392973 (VCV001392973.8), dbSNP rs2148431137, ClinGen allele CA345396415.